The following is an entry in ClinVar:

ClinVar aggregate classification (germline): Uncertain significance. Review status: criteria provided, multiple submitters, no conflicts (2 of 4 stars). 2 submissions from 2 submitters: Uncertain significance (2). Last evaluated 2023-07-10.

Conditions:
Autosomal dominant nocturnal frontal lobe epilepsy 5. Also called: CILIARY DYSKINESIA, PRIMARY, 28, WITHOUT SITUS INVERSUS; KCNT1-Related Epilepsy; CILIARY DYSKINESIA, PRIMARY, 28, WITH SITUS INVERSUS; Epilepsy, nocturnal frontal lobe, 5. Identifiers: Orphanet 98784, MedGen C3554306, MONDO:0014002, OMIM 615005.
Developmental and epileptic encephalopathy, 14 (DEE14). Also called: Early infantile epileptic encephalopathy 14. Identifiers: Orphanet 293181, MedGen C3554195, MONDO:0013989, OMIM 614959.
Inborn genetic diseases. Identifiers: MedGen C0950123, MeSH D030342.

Allele frequency attached by ClinVar (database versions not stated): TOPMed 0.00001.
gnomAD v4.1: 3 of 1,608,618 alleles (0.00019%); highest among the groups gnomAD compares: Admixed American, 0.0033%; no homozygotes.

Submissions (2):

Labcorp Genetics (formerly Invitae), Labcorp
Classification: Uncertain significance for Autosomal dominant nocturnal frontal lobe epilepsy 5; Developmental and epileptic encephalopathy, 14. Last evaluated: 2023-07-10. Review status: criteria provided, single submitter. Criteria: Invitae Variant Classification Sherloc (09022015). Collection method: clinical testing. Allele origin: germline.
Comment: This variant is not present in population databases (gnomAD no frequency). In summary, the available evidence is currently insufficient to determine the role of this variant in disease. Therefore, it has been classified as a Variant of Uncertain Significance. Advanced modeling of protein sequence and biophysical properties (such as structural, functional, and spatial information, amino acid conservation, physicochemical variation, residue mobility, and thermodynamic stability) performed at Invitae indicates that this missense variant is not expected to disrupt KCNT1 protein function. ClinVar contains an entry for this variant (Variation ID: 842108). This variant has not been reported in the literature in individuals affected with KCNT1-related conditions. This sequence change replaces glycine, which is neutral and non-polar, with arginine, which is basic and polar, at codon 6 of the KCNT1 protein (p.Gly6Arg).

Ambry Genetics
Classification: Uncertain significance for Inborn genetic diseases. Last evaluated: 2021-08-17. Review status: criteria provided, single submitter. Criteria: Ambry Variant Classification Scheme 2023. Collection method: clinical testing. Allele origin: germline.

NM_020822.3(KCNT1):c.16G>C (p.Gly6Arg)

Gene: KCNT1 (potassium sodium-activated channel subfamily T member 1; plus strand). Cytogenetic location: 9q34.3.
Variant type: single nucleotide variant.
Coding change: c.16G>C on transcript NM_020822.3 (MANE Select); coding-DNA position 16, G replaced by C.
Protein change: p.Gly6Arg; replaces glycine 6 with arginine.
Molecular consequence: missense variant.
Genome position (GRCh38, 1-based): chr9:135,702,274, G>C. VCF-style: chr9-135702274-G-C. GRCh37 (hg19) VCF-style: chr9-138594120-G-C.
Other names: c.16G>C, p.Gly6Arg (NM_001272003.2); short protein forms G6R.
Identifiers: ClinVar variation 842108 (VCV000842108.9), dbSNP rs773874266, ClinGen allele CA375492513.